The following is an entry in ClinVar:

ClinVar aggregate classification (germline): Benign. Review status: criteria provided, single submitter (1 of 4 stars). 2 submissions from 2 submitters: Benign (1). 1 of the submissions does not count toward it. Last evaluated 2026-01-26.

Conditions:
FCSK-related disorder. Also called: FCSK-related condition.

Allele frequency attached by ClinVar (database versions not stated): ESP Exome Variant Server 0.00065; gnomAD exomes 0.00076; gnomAD 0.00155; ExAC 0.00297; 1000 Genomes Project 30x 0.00953; 1000 Genomes Project 0.00958.
gnomAD v4.1: 1,547 of 1,613,770 alleles (0.096%); highest among the groups gnomAD compares: East Asian, 2.3%; 28 homozygotes.

Submissions (2):

Labcorp Genetics (formerly Invitae), Labcorp
Classification: Benign. Last evaluated: 2026-01-26. Review status: criteria provided, single submitter. Criteria: Invitae Variant Classification Sherloc (09022015). Collection method: clinical testing. Allele origin: germline.

PreventionGenetics, part of Exact Sciences
Classification: Benign for FCSK-related condition. Last evaluated: 2019-07-12. Review status: no assertion criteria provided. Collection method: clinical testing. Allele origin: germline. Not counted in ClinVar's aggregate classification.
Comment: This variant is classified as benign based on ACMG/AMP sequence variant interpretation guidelines (Richards et al. 2015 PMID: 25741868, with internal and published modifications).

NM_145059.3(FCSK):c.2886C>A (p.Ser962Arg)

Gene: FCSK (fucose kinase; plus strand). Cytogenetic location: 16q22.1.
Variant type: single nucleotide variant.
Coding change: c.2886C>A on transcript NM_145059.3 (MANE Select); coding-DNA position 2886, C replaced by A.
Protein change: p.Ser962Arg; replaces serine 962 with arginine.
Molecular consequence: missense variant.
Genome position (GRCh38, 1-based): chr16:70,478,607, C>A. VCF-style: chr16-70478607-C-A. GRCh37 (hg19) VCF-style: chr16-70512510-C-A.
Other names: c.2886C>A (NM_145059.2); short protein forms S962R.
Identifiers: ClinVar variation 2040619 (VCV002040619.6), dbSNP rs74613280, ClinGen allele CA8143771.
Genomic context (GRCh38, chr16:70,478,607, plus strand): 5'-GCAGGATGTGCTGAGGAGCTGGTATGCCCGACTTCCTGCTGTGGTGCAGAATGCCCACAG[C>A]CTGGTACGGCAAACTGAGGAGTGTGCTGAAGGCTTCCGCCAAGGTGAGGGGCTTCCTCTG-3'
Protein context (NP_659496.2, residues 952-972): RLPAVVQNAH[Ser962Arg]LVRQTEECAE